The following is an entry in ClinVar:

NM_001177693.2(ARHGEF28):c.2107T>G (p.Phe703Val)

Gene: ARHGEF28 (Rho guanine nucleotide exchange factor 28; plus strand). Cytogenetic location: 5q13.2.
Variant type: single nucleotide variant.
Coding change: c.2107T>G on transcript NM_001177693.2 (MANE Select); coding-DNA position 2107, T replaced by G.
Protein change: p.Phe703Val; replaces phenylalanine 703 with valine.
Molecular consequence: missense variant.
Genome position (GRCh38, 1-based): chr5:73,865,968, T>G. VCF-style: chr5-73865968-T-G. GRCh37 (hg19) VCF-style: chr5-73161793-T-G.
Other names: c.2107T>G, p.Phe703Val (NM_001080479.3, NM_001388078.1); c.1168T>G, p.Phe390Val (NM_001244364.2); c.1813T>G, p.Phe605Val (NM_001388076.1); short protein forms F390V, F605V, F703V.
Identifiers: ClinVar variation 3030809 (VCV003030809.2), dbSNP rs781224498, ClinGen allele CA3304771.

ClinVar aggregate classification (germline): Uncertain significance (0 of 4 stars; one submission).

Conditions:
ARHGEF28-related disorder. Also called: ARHGEF28-related condition.

gnomAD v4.1: 5 of 1,594,710 alleles (0.00031%); highest among the groups gnomAD compares: South Asian, 0.0011%; no homozygotes.

Submission:

PreventionGenetics, part of Exact Sciences
Classification: Uncertain significance for ARHGEF28-related condition. Last evaluated: 2024-01-02. Review status: no assertion criteria provided. Collection method: clinical testing. Allele origin: germline.
Comment: The ARHGEF28 c.2107T>G variant is predicted to result in the amino acid substitution p.Phe703Val. To our knowledge, this variant has not been reported in the literature. This variant is reported in 0.0035% of alleles in individuals of South Asian descent in gnomAD. At this time, the clinical significance of this variant is uncertain due to the absence of conclusive functional and genetic evidence.